The following is an entry in ClinVar:

ClinVar aggregate classification (germline): Pathogenic. Review status: criteria provided, multiple submitters, no conflicts (2 of 4 stars). 10 submissions from 10 submitters: Pathogenic (9). 1 of the submissions does not count toward it. Last evaluated 2026-01-26.

Conditions:
Familial renal hypouricemia. Also called: Hereditary renal hypouricemia. Identifiers: Orphanet 94088, MedGen C4551590, MONDO:0009071.
Dalmatian hypouricemia (RHUC1). Identifiers: MedGen C0473219, MONDO:0020728, OMIM 220150.

Allele frequency attached by ClinVar (database versions not stated): TOPMed 0.00011; gnomAD exomes 0.00018 and 0.00011; gnomAD 0.00009; ExAC 0.00019.
gnomAD v4.1: 166 of 1,612,014 alleles (0.01%); highest among the groups gnomAD compares: East Asian, 0.27%; 1 homozygote.

Submissions (10):

Medical and Scientific Branch, Hong Kong Genome Institute
Classification: Pathogenic for Dalmatian hypouricemia. Last evaluated: 2026-01-26. Review status: criteria provided, single submitter. Criteria: ACMG Guidelines, 2015. Collection method: clinical testing. Allele origin: unknown. Affected: yes.

Labcorp Genetics (formerly Invitae), Labcorp
Classification: Pathogenic. Last evaluated: 2025-07-20. Review status: criteria provided, single submitter. Criteria: Invitae Variant Classification Sherloc (09022015). Collection method: clinical testing. Allele origin: germline.
Comment: This sequence change replaces arginine, which is basic and polar, with histidine, which is basic and polar, at codon 90 of the SLC22A12 protein (p.Arg90His). This variant is present in population databases (rs121907896, gnomAD 0.2%). This missense change has been observed in individual(s) with renal hypouricemia (PMID: 15741204, 16703794, 18492088, 30097038). In at least one individual the data is consistent with being in trans (on the opposite chromosome) from a pathogenic variant. ClinVar contains an entry for this variant (Variation ID: 3516). An algorithm developed to predict the effect of missense changes on protein structure and function (PolyPhen-2) suggests that this variant is likely to be disruptive. Experimental studies have shown that this missense change affects SLC22A12 function (PMID: 33821957). For these reasons, this variant has been classified as Pathogenic.

Genomic Medicine Center of Excellence, King Faisal Specialist Hospital and Research Centre
Classification: Pathogenic for Dalmatian hypouricemia. Last evaluated: 2024-12-18. Review status: criteria provided, single submitter. Criteria: ACMG Guidelines, 2015. Collection method: clinical testing. Allele origin: germline.

3billion
Classification: Pathogenic for Dalmatian hypouricemia. Last evaluated: 2024-06-28. Review status: criteria provided, single submitter. Criteria: ACMG Guidelines, 2015. Collection method: clinical testing. Allele origin: germline. Affected: yes.
Comment: The variant is observed at an extremely low frequency in the gnomAD v4.0.0 dataset (total allele frequency: 0.010%). Predicted Consequence/Location: Missense variant In silico tool predictions suggest no damaging effect of the variant on gene or gene product [REVEL: 0.32 (<0.4); 3Cnet: 0.04 (<0.15, specificity 0.78 and negative predictive value 0.92)]. The same nucleotide change resulting in the same amino acid change has been previously reported as pathogenic/likely pathogenic with strong evidence (ClinVar ID: VCV000003516 /PMID: 15327384 /3billion dataset). The variant has been reported to be in trans with a pathogenic variant as either compound heterozygous or homozygous in at least 2 similarly affected unrelated individuals (PMID: 15741204, 16703794, 22045201). Therefore, this variant is classified as Pathogenic according to the recommendation of ACMG/AMP guideline.

Revvity Omics, Revvity
Classification: Pathogenic for Dalmatian hypouricemia. Last evaluated: 2022-03-21. Review status: criteria provided, single submitter. Criteria: ACMG Guidelines, 2015. Collection method: clinical testing. Allele origin: germline.

Fulgent Genetics
Classification: Pathogenic for Dalmatian hypouricemia. Last evaluated: 2021-10-29. Review status: criteria provided, single submitter. Criteria: ACMG Guidelines, 2015. Collection method: clinical testing. Allele origin: unknown.

Laboratory for Molecular Medicine, Mass General Brigham Personalized Medicine
Classification: Pathogenic for Hereditary renal hypouricemia. Last evaluated: 2018-09-21. Review status: criteria provided, single submitter. Criteria: LMM Criteria. Collection method: clinical testing. Allele origin: germline. Inheritance: Autosomal recessive inheritance. Observed: 2 variant alleles.
Comment: The p.Arg90His variant in SLC22A12 has been identified in the homozygous or comp ound heterozygous state in at least 10 individuals with hypouricemia, most of wh om had Asian ancestry, (Iwai 2004, Ichida 2004, Komatsuda 2006, Inazu 2007, Lee 2008, Tasic 2011) and segregated with disease in 2 affected members from 1 famil y (Ishikawa 2005). All of these individuals had biochemical features consistent with hypouricemia, but only a subset were clinically affected. In vitro function al studies support an impact to protein function (Ichida 2004). This variant has been identified in 0.2% (37/17126) of East Asian chromosomes by gnomAD. This frequency is consistent with the reported reduc ed penetrance for this disorder. In summary, this variant meets criteria to be c lassified as pathogenic for autosomal recessive hereditary renal hypouricemia, w hich has significantly reduced clinical penetrance, based on case observations a nd segregation studies. ACMG/AMP Criteria applied: PM3_VeryStrong, PP1_Moderate.

Illumina Laboratory Services, Illumina
Classification: Pathogenic for Dalmatian hypouricemia. Last evaluated: 2017-04-27. Review status: criteria provided, single submitter. Criteria: ICSL Variant Classification Criteria 09 May 2019. Collection method: clinical testing. Allele origin: germline.
Comment: Across several studies, the SLC22A12 c.269G>A (p.Arg90His) missense variant has been reported in at least 18 individuals with renal hypouricemia including two homozygotes, 15 compound heterozygotes, and one heterozygote, who present with phenotypes ranging from no clinical symptoms to acute kidney injury after strenuous exercise (Ichida et al. 2004; Iwai et al. 2004; Ishikawa et al. 2005; Cheong et al. 2005; Komatsuda et al. 2006; Inazu et al. 2007; Ichida et al. 2008; Lee et al. 2008; Ochi et al. 2012). Ishikawa et al. (2005) noted that the p.Arg90His variant segregated with disease in multiple members of a large family. The variant was absent from 192 controls, but is reported at a frequency of 0.00237 in the East Asian population of the Exome Aggregation Consortium. Ichida et al. (2004) demonstrated that urate transport activity for the p.Arg90His variant in Xenopus oocytes was significantly decreased in comparison with that of wild type and was similar to that of oocytes that were not injected with URAT1 cRNA. Ichida et al. (2004) also demonstrated through immunocytochemical analysis that the variant exhibited similar staining patterns to wild type in the plasma membrane of Xenopus oocytes. Based on the collective evidence, the p.Arg90His variant is classified as pathogenic for renal hypouricemia. This variant was observed by ICSL as part of a predisposition screen in an ostensibly healthy population.

Juno Genomics, Hangzhou Juno Genomics, Inc
Classification: Pathogenic for Dalmatian hypouricemia. Review status: criteria provided, single submitter. Criteria: ACMG Guidelines, 2015. Collection method: clinical testing. Allele origin: germline.
Comment: Absent from controls (or at extremely low frequency if recessive) in Genome Aggregation Database.;Well-established in vitro or in vivo functional studies supportive of a damaging effect on the gene or gene product.;For recessive disorders, detected in trans with a pathogenic variant.;Patient's phenotype or family history is highly specific for a disease with a single genetic etiology.

OMIM
Classification: Pathogenic for HYPOURICEMIA, RENAL, 1. Last evaluated: 2008-09-01. Review status: no assertion criteria provided. Collection method: literature only. Allele origin: germline. Not counted in ClinVar's aggregate classification.

Literature cited by the submitters: PubMed 15741204 (cited by 4 submitters); PubMed 16703794 (cited by 4 submitters); PubMed 18492088 (cited by 3 submitters); PubMed 30097038 (cited by Labcorp Genetics (formerly Invitae), Labcorp); PubMed 33821957 (cited by Labcorp Genetics (formerly Invitae), Labcorp); PubMed 22045201 (cited by 3 submitters); PubMed 15327384 (cited by 3 submitters); PubMed 15912381 (cited by Laboratory for Molecular Medicine, Mass General Brigham Personalized Medicine and Illumina Laboratory Services, Illumina); PubMed 14694169 (cited by Laboratory for Molecular Medicine, Mass General Brigham Personalized Medicine and Illumina Laboratory Services, Illumina); PubMed 17362586 (cited by Laboratory for Molecular Medicine, Mass General Brigham Personalized Medicine and Illumina Laboratory Services, Illumina); PubMed 19019168 (cited by Laboratory for Molecular Medicine, Mass General Brigham Personalized Medicine and Illumina Laboratory Services, Illumina); PubMed 22194875 (cited by Laboratory for Molecular Medicine, Mass General Brigham Personalized Medicine); PubMed 29659532 (cited by Laboratory for Molecular Medicine, Mass General Brigham Personalized Medicine).

NM_144585.4(SLC22A12):c.269G>A (p.Arg90His)

Gene: SLC22A12 (solute carrier family 22 member 12; plus strand). Cytogenetic location: 11q13.1.
Variant type: single nucleotide variant.
Coding change: c.269G>A on transcript NM_144585.4 (MANE Select); coding-DNA position 269, G replaced by A.
Protein change: p.Arg90His; replaces arginine 90 with histidine.
Molecular consequence: missense variant. On other transcripts: 5 prime UTR variant (1).
Genome position (GRCh38, 1-based): chr11:64,591,825, G>A. VCF-style: chr11-64591825-G-A. GRCh37 (hg19) VCF-style: chr11-64359297-G-A.
Other names: c.269G>A, p.Arg90His (NM_001276326.2, NM_001276327.2); c.-240G>A (NM_153378.3); short protein forms R90H.
Identifiers: ClinVar variation 3516 (VCV000003516.25), dbSNP rs121907896, ClinGen allele CA116317.
Genomic context (GRCh38, chr11:64,591,825, plus strand): 5'-AGGCCCTCCTGGCTATTTCCATCCCGCCGGGCCCCAACCAGAGGCCCCACCAGTGCCGCC[G>A]CTTCCGCCAGCCACAGTGGCAGCTCTTGGACCCCAATGCCACGGCCACCAGCTGGAGCGA-3'
Protein context (NP_653186.2, residues 80-100): GPNQRPHQCR[Arg90His]FRQPQWQLLD